The following is an entry in ClinVar:

NM_000132.4(F8):c.1481T>G (p.Ile494Ser)

Gene: F8 (coagulation factor VIII; minus strand). Cytogenetic location: Xq28.
Variant type: single nucleotide variant.
Coding change: c.1481T>G on transcript NM_000132.4 (MANE Select); coding-DNA position 1481, T replaced by G.
Protein change: p.Ile494Ser; replaces isoleucine 494 with serine.
Molecular consequence: missense variant.
Genome position (GRCh38, 1-based): chrX:154,961,131, A>C on the plus strand (T>G on the coding strand, the complement: F8 is on the minus strand). VCF-style: chrX-154961131-A-C. GRCh37 (hg19) VCF-style: chrX-154189406-A-C.
Other names: short protein forms I494S.
Identifiers: ClinVar variation 1330924 (VCV001330924.7), dbSNP rs137852413, ClinGen allele CA414912795.
Genomic context (GRCh38, chrX:154,961,131, plus strand): 5'-TTACCTTTTGGTAATCTCCTTGAATACAAAGGACGGACATCAGTGATTCCGTGAGGGTAG[A>C]TGTTATATGGTCTGCTTGCTTGATTCTTAAATATAATCTGAAAGTATAAGCGAGATCTAA-3'
Protein context (NP_000123.1, residues 484-504): FKNQASRPYN[Ile494Ser]YPHGITDVRP

ClinVar aggregate classification (germline): Likely pathogenic (1 of 4 stars; one submission).

Conditions:
Hereditary factor VIII deficiency disease (HEMA). Also called: HEMOPHILIA, CLASSIC; AUTOSOMAL HEMOPHILIA A; Hemophilia A; Hemophilia A, congenital; HEM A; Factor 8 deficiency, congenital. Identifiers: Orphanet 98878, MedGen C0019069, MONDO:0010602, OMIM 306700.

Submission:

ARUP Laboratories, Molecular Genetics and Genomics, ARUP Laboratories
Classification: Likely pathogenic for Hereditary factor VIII deficiency disease. Last evaluated: 2021-07-23. Review status: criteria provided, single submitter. Criteria: ARUP Molecular Germline Variant Investigation Process 2021. Collection method: clinical testing. Allele origin: germline.
Comment: The F8 c.1481T>G; p.Ile494Ser variant is reported in the literature in at least one individual affected with moderate to severe hemophilia A (see F8 database and references therein). This variant is absent from the Genome Aggregation Database, indicating it is not a common polymorphism. Additionally, another variant at this codon (c.1481T>C, p.Ile494Thr) has been reported in individuals with mild hemophilia A and is considered pathogenic (Schwaab 1995). The isoleucine at codon 494 is highly conserved, and computational analyses predict that this variant is deleterious (REVEL: 0.983). Based on available information, this variant is considered to be likely pathogenic. References: Link to Factor VIII database: Johnsen JM et al. Novel approach to genetic analysis and results in 3000 hemophilia patients enrolled in the My Life, Our Future initiative. Blood Adv. 2017 May 18;1(13):824-834. PMID: 29296726. Schwaab R et al. Characterization of mutations within the factor VIII gene of 73 unrelated mild and moderate haemophiliacs. Br J Haematol. 1995 Oct;91(2):458-64. PMID: 8547094.